The following is an entry in ClinVar:

NM_002524.5(NRAS):c.259A>T (p.Ser87Cys)

Gene: NRAS (NRAS proto-oncogene, GTPase; minus strand). Cytogenetic location: 1p13.2.
Variant type: single nucleotide variant.
Coding change: c.259A>T on transcript NM_002524.5 (MANE Select); coding-DNA position 259, A replaced by T.
Protein change: p.Ser87Cys; replaces serine 87 with cysteine.
Molecular consequence: missense variant.
Genome position (GRCh38, 1-based): chr1:114,713,831, T>A on the plus strand (A>T on the coding strand, the complement: NRAS is on the minus strand). VCF-style: chr1-114713831-T-A. GRCh37 (hg19) VCF-style: chr1-115256452-T-A.
Other names: c.259A>T (NM_002524.4); short protein forms S87C.
Identifiers: ClinVar variation 2054868 (VCV002054868.7), dbSNP rs1659096732, ClinGen allele CA341741403.

ClinVar aggregate classification (germline): Uncertain significance. Review status: criteria provided, multiple submitters, no conflicts (2 of 4 stars). 3 submissions from 3 submitters: Uncertain significance (3). Last evaluated 2025-09-09.

Conditions:
RASopathy. Also called: rasopathies; Noonan spectrum disorder. Identifiers: Orphanet 536391, MedGen C5555857, MONDO:0021060.
NRAS-related disorder. Also called: NRAS-related condition.

Allele frequency attached by ClinVar (database versions not stated): gnomAD exomes below 0.00001; TOPMed below 0.00001; gnomAD 0.00001.
gnomAD v4.1: 2 of 1,614,002 alleles (0.00012%); highest among the groups gnomAD compares: Non-Finnish European, 0.00017%; no homozygotes.

Submissions (3):

Labcorp Genetics (formerly Invitae), Labcorp
Classification: Uncertain significance for RASopathy. Last evaluated: 2025-09-09. Review status: criteria provided, single submitter. Criteria: Invitae Variant Classification Sherloc (09022015). Collection method: clinical testing. Allele origin: germline.
Comment: This sequence change replaces serine, which is neutral and polar, with cysteine, which is neutral and slightly polar, at codon 87 of the NRAS protein (p.Ser87Cys). This variant is not present in population databases (gnomAD no frequency). This variant has not been reported in the literature in individuals affected with NRAS-related conditions. ClinVar contains an entry for this variant (Variation ID: 2054868). An algorithm developed to predict the effect of missense changes on protein structure and function (PolyPhen-2) suggests that this variant is likely to be disruptive. In summary, the available evidence is currently insufficient to determine the role of this variant in disease. Therefore, it has been classified as a Variant of Uncertain Significance.

PreventionGenetics, part of Exact Sciences
Classification: Uncertain significance for NRAS-related condition. Last evaluated: 2024-11-13. Review status: criteria provided, single submitter. Criteria: ACMG Guidelines, 2015. Collection method: clinical testing. Allele origin: germline.
Comment: The NRAS c.259A>T variant is predicted to result in the amino acid substitution p.Ser87Cys. To our knowledge, this variant has not been reported in the literature or in a large population database, indicating this variant is rare. At this time, the clinical significance of this variant is uncertain due to the absence of conclusive functional and genetic evidence.

GeneDx
Classification: Uncertain significance. Last evaluated: 2023-01-23. Review status: criteria provided, single submitter. Criteria: GeneDx Variant Classification Process June 2021. Collection method: clinical testing. Allele origin: germline. Affected: yes.
Comment: Not observed at significant frequency in large population cohorts (gnomAD); Missense variants in this gene are often considered pathogenic (HGMD); In silico analysis supports that this missense variant does not alter protein structure/function; Has not been previously published as pathogenic or benign to our knowledge